The following is an entry in ClinVar:

ClinVar aggregate classification (germline): Uncertain significance. Review status: criteria provided, multiple submitters, no conflicts (2 of 4 stars). 7 submissions from 7 submitters: Uncertain significance (7). Last evaluated 2026-08-06.

Conditions:
Cardiovascular phenotype. Identifiers: MedGen CN230736.
Hypertrophic cardiomyopathy 12. Identifiers: MedGen C2677491, MONDO:0012804, OMIM 612124.
Dilated cardiomyopathy 1M (CMD1M). Identifiers: Orphanet 154, MedGen C1843808, MONDO:0011840, OMIM 607482.

Allele frequency attached by ClinVar (database versions not stated): gnomAD exomes 0.00002 and 0.00004; TOPMed 0.00002; ESP Exome Variant Server 0.00008; ExAC 0.00003; gnomAD 0.00003.
gnomAD v4.1: 56 of 1,613,492 alleles (0.0035%); highest among the groups gnomAD compares: East Asian, 0.0045%; no homozygotes.

Submissions (7):

OLLIN Analises Genomicas, OLLIN
Classification: Uncertain significance for Hypertrophic cardiomyopathy 12. Last evaluated: 2026-08-06. Review status: criteria provided, single submitter. Criteria: ACMG Guidelines 2015 PMID 25741868. Collection method: clinical testing. Allele origin: germline.
Comment: This missense variant, located in exon 3 (of 6), has been reported in ClinVar (accession VCV000044690.19) and in gnomAD with an allele frequency of 0.0035%. However, to our knowledge, it has not been reported in the scientific literature. In silico analysis is inconclusive regarding the impact of this variant. According to the currently available evidence, this variant has been classified as uncertain significance (PM2_P).

Victorian Clinical Genetics Services, Murdoch Childrens Research Institute
Classification: Uncertain significance for Hypertrophic cardiomyopathy 12. Last evaluated: 2025-09-21. Review status: criteria provided, single submitter. Criteria: ACMG Guidelines, 2015. Collection method: clinical testing. Allele origin: germline. Affected: yes.
Comment: This variant is classified as VUS-3C. Evidence in support of pathogenic classification: Variant is present in gnomAD <0.01 (v4: 56 heterozygote(s), 0 homozygote(s)). Additional information: Variant is predicted to result in a missense amino acid change from Arg to His; This variant is heterozygous; This gene is associated with both recessive and dominant disease. Individuals with biallelic variants have a more severe phenotype and/or an earlier onset of symptoms (PMID: 33035702); Alternative amino acid change(s) at the same position are present in gnomAD (Highest allele count: v4: 72 heterozygote(s), 1 homozygote(s)); Previous evidence of pathogenicity for this variant is inconclusive. This variant has been classified as a VUS by multiple clinical laboratories in ClinVar and in the literature in cardiac cohorts (PMIDs: 25611685, 27532257, 30847666, 25351510); No published evidence of segregation with disease has been identified for this variant; No published functional evidence has been identified for this variant; No comparable missense variants have previous evidence for pathogenicity; Variant is located in the annotated LIM domain (DECIPHER); Missense variant with inconclusive in silico prediction and uninformative conservation; Loss of function is a known mechanism of disease in this gene and is associated with hypertrophic cardiomyopathy 12 (MIM#612124); The condition associated with this gene has incomplete penetrance. Studies have reported that the penetrance for CSRP3 variants is approximately 38%, and diagnosis is often in the 6th decade of life (PMIDs: 33035702, 37929589); Inheritance information for this variant is not currently available in this individual.

Labcorp Genetics (formerly Invitae), Labcorp
Classification: Uncertain significance for Hypertrophic cardiomyopathy 12; Dilated cardiomyopathy 1M. Last evaluated: 2025-09-01. Review status: criteria provided, single submitter. Criteria: Invitae Variant Classification Sherloc (09022015). Collection method: clinical testing. Allele origin: germline.
Comment: This sequence change replaces arginine, which is basic and polar, with histidine, which is basic and polar, at codon 64 of the CSRP3 protein (p.Arg64His). This variant is present in population databases (rs375014380, gnomAD 0.008%). This missense change has been observed in individual(s) with hypertrophic cardiomyopathy or dilated cardiomyopathy (PMID: 27532257, 30847666). ClinVar contains an entry for this variant (Variation ID: 44690). An algorithm developed to predict the effect of missense changes on protein structure and function (PolyPhen-2) suggests that this variant is likely to be disruptive. In summary, the available evidence is currently insufficient to determine the role of this variant in disease. Therefore, it has been classified as a Variant of Uncertain Significance.

Molecular Diagnostic Laboratory for Inherited Cardiovascular Disease, Montreal Heart Institute
Classification: Uncertain significance for Cardiovascular phenotype. Last evaluated: 2025-04-09. Review status: criteria provided, single submitter. Criteria: ACMG Guidelines, 2015. Collection method: clinical testing. Allele origin: germline. Affected: yes.
Comment: PM2, PS4_supp, PP3

Ambry Genetics
Classification: Uncertain significance for Cardiovascular phenotype. Last evaluated: 2025-01-08. Review status: criteria provided, single submitter. Criteria: Ambry Variant Classification Scheme 2023. Collection method: clinical testing. Allele origin: germline.

GeneDx
Classification: Uncertain significance. Last evaluated: 2022-07-12. Review status: criteria provided, single submitter. Criteria: GeneDx Variant Classification Process June 2021. Collection method: clinical testing. Allele origin: germline. Affected: yes.
Comment: Identified in a patient with HCM in published literature (Walsh et al., 2017); In silico analysis supports that this missense variant has a deleterious effect on protein structure/function; This variant is associated with the following publications: (PMID: 35241752, 27532257)

Laboratory for Molecular Medicine, Mass General Brigham Personalized Medicine
Classification: Uncertain significance. Last evaluated: 2012-11-21. Review status: criteria provided, single submitter. Criteria: LMM Criteria. Collection method: clinical testing. Allele origin: germline. Observed: 1 variant allele.
Comment: The Arg64His variant in CSRP3 has not been reported in the literature nor previo usly identified by our laboratory. This variant has been identified in 1/4398 of African American chromosomes from a broad population by the NHLBI Exome Sequenc ing Project. Computational analyses (biochem ical amino acid properties, conservation, AlignGVGD, PolyPhen2, and SIFT) do not provide strong support for or against an impact to the protein. Additional inf ormation is needed to fully assess the clinical significance of the Arg64His var iant.

Literature cited by the submitters: PubMed 25611685 (cited by Victorian Clinical Genetics Services, Murdoch Childrens Research Institute); PubMed 30847666 (cited by Victorian Clinical Genetics Services, Murdoch Childrens Research Institute and Labcorp Genetics (formerly Invitae), Labcorp); PubMed 27532257 (cited by Victorian Clinical Genetics Services, Murdoch Childrens Research Institute and Labcorp Genetics (formerly Invitae), Labcorp); PubMed 25351510 (cited by Victorian Clinical Genetics Services, Murdoch Childrens Research Institute); PubMed 37929589 (cited by Victorian Clinical Genetics Services, Murdoch Childrens Research Institute); PubMed 33035702 (cited by Victorian Clinical Genetics Services, Murdoch Childrens Research Institute).

NM_003476.5(CSRP3):c.191G>A (p.Arg64His)

Gene: CSRP3 (cysteine and glycine rich protein 3; minus strand). Cytogenetic location: 11p15.1.
Variant type: single nucleotide variant.
Coding change: c.191G>A on transcript NM_003476.5 (MANE Select); coding-DNA position 191, G replaced by A.
Protein change: p.Arg64His; replaces arginine 64 with histidine.
Molecular consequence: missense variant. On other transcripts: intron variant (1).
Genome position (GRCh38, 1-based): chr11:19,188,226, C>T on the plus strand (G>A on the coding strand, the complement: CSRP3 is on the minus strand). VCF-style: chr11-19188226-C-T. GRCh37 (hg19) VCF-style: chr11-19209773-C-T.
Other names: c.113-1878G>A (NM_001369404.1); short protein forms R64H.
Identifiers: ClinVar variation 44690 (VCV000044690.20), dbSNP rs375014380, ClinGen allele CA134881.